The following is an entry in ClinVar:

ClinVar aggregate classification (germline): Uncertain significance (1 of 4 stars; one submission).

Conditions:
Carnitine palmitoyl transferase 1A deficiency. Also called: CPT I DEFICIENCY; CPT DEFICIENCY, HEPATIC, TYPE I; Carnitine palmitoyltransferase 1A deficiency; CPT deficiency, hepatic, type IA; Carnitine palmitoyltransferase type I deficiency. Identifiers: Orphanet 156, MedGen C1829703, MONDO:0009705, OMIM 255120.

Submission:

Labcorp Genetics (formerly Invitae), Labcorp
Classification: Uncertain significance for Carnitine palmitoyl transferase 1A deficiency. Last evaluated: 2021-02-17. Review status: criteria provided, single submitter. Criteria: Invitae Variant Classification Sherloc (09022015). Collection method: clinical testing. Allele origin: germline.
Comment: In summary, the available evidence is currently insufficient to determine the role of this variant in disease. Therefore, it has been classified as a Variant of Uncertain Significance. This sequence change replaces valine with leucine at codon 669 of the CPT1A protein (p.Val669Leu). The valine residue is moderately conserved and there is a small physicochemical difference between valine and leucine. This variant is not present in population databases (ExAC no frequency). This variant has not been reported in the literature in individuals with CPT1A-related conditions. Algorithms developed to predict the effect of missense changes on protein structure and function (SIFT, PolyPhen-2, Align-GVGD) all suggest that this variant is likely to be tolerated, but these predictions have not been confirmed by published functional studies and their clinical significance is uncertain.

NM_001876.4(CPT1A):c.2005G>T (p.Val669Leu)

Gene: CPT1A (carnitine palmitoyltransferase 1A; minus strand). Cytogenetic location: 11q13.3.
Variant type: single nucleotide variant.
Coding change: c.2005G>T on transcript NM_001876.4 (MANE Select); coding-DNA position 2005, G replaced by T.
Protein change: p.Val669Leu; replaces valine 669 with leucine.
Molecular consequence: missense variant.
Genome position (GRCh38, 1-based): chr11:68,761,558, C>A on the plus strand (G>T on the coding strand, the complement: CPT1A is on the minus strand). VCF-style: chr11-68761558-C-A. GRCh37 (hg19) VCF-style: chr11-68529026-C-A.
Other names: c.2005G>T, p.Val669Leu (NM_001031847.3); short protein forms V669L.
Identifiers: ClinVar variation 1491444 (VCV001491444.8), dbSNP rs2153994987, ClinGen allele CA381626469.
Genomic context (GRCh38, chr11:68,761,558, plus strand): 5'-GCCAATACAACTGACGGAAGAAGTGGAAGAGACTTACTTCCTTAAGGAAAGGGGACTCCA[C>A]AGCGAGATATTTAGACACCACGTAAAGGCAGAAGAGGTGACGATCGATCCCAGAGCCGGT-3'
Protein context (NP_001867.2, residues 659-679): CLYVVSKYLA[Val669Leu]ESPFLKEVLS